The following is an entry in ClinVar:

NM_001972.4(ELANE):c.482G>A (p.Arg161Lys)

Gene: ELANE (elastase, neutrophil expressed; plus strand). Cytogenetic location: 19p13.3.
Variant type: single nucleotide variant.
Coding change: c.482G>A on transcript NM_001972.4 (MANE Select); coding-DNA position 482, G replaced by A.
Protein change: p.Arg161Lys; replaces arginine 161 with lysine.
Molecular consequence: missense variant.
Genome position (GRCh38, 1-based): chr19:855,679, G>A. VCF-style: chr19-855679-G-A. GRCh37 (hg19) VCF-style: chr19-855679-G-A.
Other names: short protein forms R161K.
Identifiers: ClinVar variation 2930900 (VCV002930900.3), dbSNP rs2145148729, ClinGen allele CA402918293.
Genomic context (GRCh38, chr19:855,679, plus strand): 5'-AGGGACGCCGCCTGGGCAACGGGGTGCAGTGCCTGGCCATGGGCTGGGGCCTTCTGGGCA[G>A]GAACCGTGGGATCGCCAGCGTCCTGCAGGAGCTCAACGTGACGGTGGTGACGTCCCTCTG-3'
Protein context (NP_001963.1, residues 151-171): CLAMGWGLLG[Arg161Lys]NRGIASVLQE

ClinVar aggregate classification (germline): Uncertain significance (1 of 4 stars; one submission).

Conditions:
Neutropenia, severe congenital, 1, autosomal dominant. Identifiers: MedGen C1859966, MONDO:0042490, OMIM 202700.
Cyclical neutropenia. Also called: Cyclic Neutropenia; Cyclic hematopoiesis. Identifiers: Orphanet 2686, MedGen C0221023, MONDO:0008090, OMIM 162800, HP:0040289. Disease mechanism: loss of function.

Allele frequency attached by ClinVar (database versions not stated): gnomAD exomes below 0.00001.
gnomAD v4.1: 2 of 1,609,094 alleles (0.00012%); highest among the groups gnomAD compares: South Asian, 0.0011%; no homozygotes.

Submission:

Labcorp Genetics (formerly Invitae), Labcorp
Classification: Uncertain significance for Neutropenia, severe congenital, 1, autosomal dominant; Cyclical neutropenia. Last evaluated: 2023-08-27. Review status: criteria provided, single submitter. Criteria: Invitae Variant Classification Sherloc (09022015). Collection method: clinical testing. Allele origin: germline.
Comment: In summary, the available evidence is currently insufficient to determine the role of this variant in disease. Therefore, it has been classified as a Variant of Uncertain Significance. Advanced modeling of protein sequence and biophysical properties (such as structural, functional, and spatial information, amino acid conservation, physicochemical variation, residue mobility, and thermodynamic stability) has been performed at Invitae for this missense variant, however the output from this modeling did not meet the statistical confidence thresholds required to predict the impact of this variant on ELANE protein function. This variant has not been reported in the literature in individuals affected with ELANE-related conditions. This variant is not present in population databases (gnomAD no frequency). This sequence change replaces arginine, which is basic and polar, with lysine, which is basic and polar, at codon 161 of the ELANE protein (p.Arg161Lys).